The following is an entry in ClinVar:

NM_014974.3(DIP2C):c.4058T>C (p.Val1353Ala)

Gene: DIP2C (DIP2 acetate--CoA ligase C (putative); minus strand). Cytogenetic location: 10p15.3.
Variant type: single nucleotide variant.
Coding change: c.4058T>C on transcript NM_014974.3 (MANE Select); coding-DNA position 4058, T replaced by C.
Protein change: p.Val1353Ala; replaces valine 1353 with alanine.
Molecular consequence: missense variant.
Genome position (GRCh38, 1-based): chr10:286,334, A>G on the plus strand (T>C on the coding strand, the complement: DIP2C is on the minus strand). VCF-style: chr10-286334-A-G. GRCh37 (hg19) VCF-style: chr10-332274-A-G.
Other names: short protein forms V1353A.
Identifiers: ClinVar variation 1719441 (VCV001719441.5), dbSNP rs2540222889, ClinGen allele CA375828481.
Genomic context (GRCh38, chr10:286,334, plus strand): 5'-TCTCCAAGGTGTGAGTCCCCCAGCGGTCCTTTTGTTTCTGGGTTGGCAATTATAATCCGA[A>G]CCCCTGGAAGTATCTATTTGGGAGAGGAAAAGTCTCTTGTCAATGGGAGGAATACAGGGA-3'
Protein context (NP_055789.1, residues 1343-1363): LMESGKILPG[Val1353Ala]RIIIANPETK

ClinVar aggregate classification (germline): Uncertain significance (1 of 4 stars; one submission).

Submission:

Labcorp Genetics (formerly Invitae), Labcorp
Classification: Uncertain significance. Last evaluated: 2022-11-04. Review status: criteria provided, single submitter. Criteria: Invitae Variant Classification Sherloc (09022015). Collection method: clinical testing. Allele origin: germline.
Comment: In summary, the available evidence is currently insufficient to determine the role of this variant in disease. Therefore, it has been classified as a Variant of Uncertain Significance. Algorithms developed to predict the effect of missense changes on protein structure and function are either unavailable or do not agree on the potential impact of this missense change (SIFT: "Tolerated"; PolyPhen-2: "Probably Damaging"; Align-GVGD: "Class C0"). This variant has not been reported in the literature in individuals affected with DIP2C-related conditions. This variant is not present in population databases (gnomAD no frequency). This sequence change replaces valine, which is neutral and non-polar, with alanine, which is neutral and non-polar, at codon 1353 of the DIP2C protein (p.Val1353Ala).